The following is an entry in ClinVar:

ClinVar aggregate classification (germline): Likely benign (0 of 4 stars; one submission).

Conditions:
PRRC2A-related disorder. Also called: PRRC2A-related condition.

Allele frequency attached by ClinVar (database versions not stated): ExAC 0.00245; ESP Exome Variant Server 0.00262; gnomAD 0.00273; TOPMed 0.00316; 1000 Genomes Project 30x 0.00422; 1000 Genomes Project 0.00459.
gnomAD v4.1: 2,123 of 1,558,000 alleles (0.14%); highest among the groups gnomAD compares: African/African-American, 0.65%; 5 homozygotes.

Submission:

PreventionGenetics, part of Exact Sciences
Classification: Likely benign for PRRC2A-related condition. Last evaluated: 2020-07-09. Review status: no assertion criteria provided. Collection method: clinical testing. Allele origin: germline.
Comment: This variant is classified as likely benign based on ACMG/AMP sequence variant interpretation guidelines (Richards et al. 2015 PMID: 25741868, with internal and published modifications).

NM_004638.4(PRRC2A):c.2920G>C (p.Glu974Gln)

Gene: PRRC2A (proline rich coiled-coil 2A; plus strand). Cytogenetic location: 6p21.33.
Variant type: single nucleotide variant.
Coding change: c.2920G>C on transcript NM_004638.4 (MANE Select); coding-DNA position 2920, G replaced by C.
Protein change: p.Glu974Gln; replaces glutamic acid 974 with glutamine.
Molecular consequence: missense variant.
Genome position (GRCh38, 1-based): chr6:31,631,593, G>C. VCF-style: chr6-31631593-G-C. GRCh37 (hg19) VCF-style: chr6-31599370-G-C.
Other names: c.2920G>C, p.Glu974Gln (NM_080686.3); short protein forms E974Q.
Identifiers: ClinVar variation 3038649 (VCV003038649.2), dbSNP rs115591494, ClinGen allele CA3715798.